The following is an entry in ClinVar:

NM_199334.5(THRA):c.1150C>T (p.Arg384Cys)

Gene: THRA (thyroid hormone receptor alpha; plus strand). Cytogenetic location: 17q21.1.
Variant type: single nucleotide variant.
Coding change: c.1150C>T on transcript NM_199334.5 (MANE Select); coding-DNA position 1150, C replaced by T.
Protein change: p.Arg384Cys; replaces arginine 384 with cysteine.
Molecular consequence: missense variant. On other transcripts: intron variant (3).
Genome position (GRCh38, 1-based): chr17:40,089,373, C>T. VCF-style: chr17-40089373-C-T. GRCh37 (hg19) VCF-style: chr17-38245626-C-T.
Other names: c.1110+40C>T (NM_001190919.2, NM_003250.6, NM_001190918.2); short protein forms R384C.
Identifiers: ClinVar variation 1216462 (VCV001216462.3), dbSNP rs2145087272, ClinGen allele CA399278329.
Genomic context (GRCh38, chr17:40,089,373, plus strand): 5'-TGGCCCAAGCTGCTGATGAAGGTGACTGACCTCCGCATGATCGGGGCCTGCCACGCCAGC[C>T]GCTTCCTCCACATGAAAGTCGAGTGCCCCACCGAACTCTTCCCCCCACTCTTCCTCGAGG-3'
Protein context (NP_955366.1, residues 374-394): LRMIGACHAS[Arg384Cys]FLHMKVECPT

ClinVar aggregate classification (germline): Pathogenic (1 of 4 stars; one submission).

Submission:

GeneDx
Classification: Pathogenic. Last evaluated: 2020-04-23. Review status: criteria provided, single submitter. Criteria: GeneDx Variant Classification Process June 2021. Collection method: clinical testing. Allele origin: germline. Affected: yes.
Comment: Published functional studies demonstrate a damaging effect with the variant showing one hundred fold lower activity as compared to wild type (Tinnikov et al., 2002); A different missense change at this residue (R384H) has been reported in the published literature in association with macrocephaly, dysmorphic features, short stature, and developmental delay (Demir et al., 2016); Not observed in large population cohorts (Lek et al., 2016); This variant is associated with the following publications: (PMID: 25621899, 17932484, 29205102, 12356724, 30842990, 26037512, 20644471)